The following is an entry in ClinVar:

ClinVar aggregate classification (germline): Uncertain significance (1 of 4 stars; one submission).

Allele frequency attached by ClinVar (database versions not stated): gnomAD exomes below 0.00001; ExAC 0.00002.

Submission:

Labcorp Genetics (formerly Invitae), Labcorp
Classification: Uncertain significance. Last evaluated: 2022-11-16. Review status: criteria provided, single submitter. Criteria: Invitae Variant Classification Sherloc (09022015). Collection method: clinical testing. Allele origin: germline.
Comment: This variant is present in population databases (rs750505681, gnomAD 0.009%). This sequence change replaces proline, which is neutral and non-polar, with serine, which is neutral and polar, at codon 459 of the RIPK1 protein (p.Pro459Ser). This variant has not been reported in the literature in individuals affected with RIPK1-related conditions. Algorithms developed to predict the effect of missense changes on protein structure and function output the following: SIFT: "Not Available"; PolyPhen-2: "Benign"; Align-GVGD: "Not Available". The serine amino acid residue is found in multiple mammalian species, which suggests that this missense change does not adversely affect protein function. In summary, the available evidence is currently insufficient to determine the role of this variant in disease. Therefore, it has been classified as a Variant of Uncertain Significance.

NM_001354930.2(RIPK1):c.1375C>T (p.Pro459Ser)

Gene: RIPK1 (receptor interacting serine/threonine kinase 1; plus strand). Cytogenetic location: 6p25.2.
Variant type: single nucleotide variant.
Coding change: c.1375C>T on transcript NM_001354930.2 (MANE Select); coding-DNA position 1375, C replaced by T.
Protein change: p.Pro459Ser; replaces proline 459 with serine.
Molecular consequence: missense variant.
Genome position (GRCh38, 1-based): chr6:3,105,850, C>T. VCF-style: chr6-3105850-C-T. GRCh37 (hg19) VCF-style: chr6-3106084-C-T.
Other names: c.886C>T, p.Pro296Ser (NM_001317061.3, NM_001354932.2, NM_001354933.2 and 1 more transcripts); c.1237C>T, p.Pro413Ser (NM_001354931.2); c.1375C>T, p.Pro459Ser (NM_003804.6); short protein forms P296S, P413S, P459S.
Identifiers: ClinVar variation 1955341 (VCV001955341.5), dbSNP rs750505681, ClinGen allele CA3618417.
Genomic context (GRCh38, chr6:3,105,850, plus strand): 5'-TATTCCAGTGCAGCCAGTCATGGTAATGCAGTGCACCAGCCCTCAGGGCTCACCAGCCAA[C>T]CTCAAGTACTGTATCAGAACAATGGATTATATAGCTCACATGGCTTTGGAACAAGACCAC-3'
Protein context (NP_001341859.1, residues 449-469): VHQPSGLTSQ[Pro459Ser]QVLYQNNGLY